The following is an entry in ClinVar:

ClinVar aggregate classification (germline): Uncertain significance. Review status: criteria provided, multiple submitters, no conflicts (2 of 4 stars). 2 submissions from 2 submitters: Uncertain significance (2). Last evaluated 2024-10-17.

Conditions:
Inborn genetic diseases. Identifiers: MedGen C0950123, MeSH D030342.
Bardet-Biedl syndrome (BBS). Identifiers: Orphanet 110, MedGen C0752166, MONDO:0015229.

Allele frequency attached by ClinVar (database versions not stated): gnomAD exomes below 0.00001; ExAC 0.00001; gnomAD 0.00001; TOPMed 0.00001.
gnomAD v4.1: 3 of 1,613,158 alleles (0.00019%); highest among the groups gnomAD compares: East Asian, 0.0067%; no homozygotes.

Submissions (2):

Labcorp Genetics (formerly Invitae), Labcorp
Classification: Uncertain significance for Bardet-Biedl syndrome. Last evaluated: 2024-10-17. Review status: criteria provided, single submitter. Criteria: Invitae Variant Classification Sherloc (09022015). Collection method: clinical testing. Allele origin: germline.
Comment: This sequence change replaces glutamine, which is neutral and polar, with glutamic acid, which is acidic and polar, at codon 283 of the BBS7 protein (p.Gln283Glu). This variant is present in population databases (rs753552050, gnomAD 0.02%). This variant has not been reported in the literature in individuals affected with BBS7-related conditions. ClinVar contains an entry for this variant (Variation ID: 1981319). An algorithm developed to predict the effect of missense changes on protein structure and function (PolyPhen-2) suggests that this variant is likely to be tolerated. In summary, the available evidence is currently insufficient to determine the role of this variant in disease. Therefore, it has been classified as a Variant of Uncertain Significance.

Ambry Genetics
Classification: Uncertain significance for Inborn genetic diseases. Last evaluated: 2024-03-26. Review status: criteria provided, single submitter. Criteria: Ambry Variant Classification Scheme 2023. Collection method: clinical testing. Allele origin: germline.

NM_176824.3(BBS7):c.847C>G (p.Gln283Glu)

Gene: BBS7 (Bardet-Biedl syndrome 7; minus strand). Cytogenetic location: 4q27.
Variant type: single nucleotide variant.
Coding change: c.847C>G on transcript NM_176824.3 (MANE Select); coding-DNA position 847, C replaced by G.
Protein change: p.Gln283Glu; replaces glutamine 283 with glutamic acid.
Molecular consequence: missense variant.
Genome position (GRCh38, 1-based): chr4:121,852,958, G>C on the plus strand (C>G on the coding strand, the complement: BBS7 is on the minus strand). VCF-style: chr4-121852958-G-C. GRCh37 (hg19) VCF-style: chr4-122774113-G-C.
Other names: c.847C>G, p.Gln283Glu (NM_018190.4); c.847C>G (NM_176824.2); short protein forms Q283E.
Identifiers: ClinVar variation 1981319 (VCV001981319.4), dbSNP rs753552050, ClinGen allele CA3064397.
Genomic context (GRCh38, chr4:121,852,958, plus strand): 5'-GTCATCTCTATAATAATTTGACAAATAATAAGCATATAGTCTTTTTTAATGAACTTACCT[G>C]ATCAAATCGTAGAACAGGTTCATTTGCATTATCAAAACTATACACTTCCACCATTCCGTC-3'
Protein context (NP_789794.1, residues 273-293): NANEPVLRFD[Gln283Glu]MLSESVTSIQ